The following is an entry in ClinVar:

ClinVar aggregate classification (germline): Uncertain significance. Review status: criteria provided, multiple submitters, no conflicts (2 of 4 stars). 2 submissions from 2 submitters: Uncertain significance (2). Last evaluated 2021-05-04.

Conditions:
Pontocerebellar hypoplasia type 5 (PCH5). Also called: Pontocerebellar Hypoplasia Type 5 (PCH5). Identifiers: Orphanet 166068, MedGen C1857762, MONDO:0012438, OMIM 610204.
Inborn genetic diseases. Identifiers: MedGen C0950123, MeSH D030342.

Allele frequency attached by ClinVar (database versions not stated): TOPMed below 0.00001.
gnomAD v4.1: 3 of 1,613,572 alleles (0.00019%); highest among the groups gnomAD compares: African/African-American, 0.004%; no homozygotes.

Submissions (2):

Ambry Genetics
Classification: Uncertain significance for Inborn genetic diseases. Last evaluated: 2021-05-04. Review status: criteria provided, single submitter. Criteria: Ambry Variant Classification Scheme 2023. Collection method: clinical testing. Allele origin: germline.

Baylor Genetics
Classification: Uncertain significance for Pontocerebellar hypoplasia type 5. Last evaluated: 2020-11-16. Review status: criteria provided, single submitter. Criteria: ACMG Guidelines, 2015. Collection method: clinical testing. Allele origin: paternal. Affected: yes.
Comment: This variant was determined to be of uncertain significance according to ACMG Guidelines, 2015 [PMID:25741868].

NM_207346.3(TSEN54):c.462G>C (p.Gln154His)

Gene: TSEN54 (tRNA splicing endonuclease subunit 54; plus strand). Cytogenetic location: 17q25.1.
Variant type: single nucleotide variant.
Coding change: c.462G>C on transcript NM_207346.3 (MANE Select); coding-DNA position 462, G replaced by C.
Protein change: p.Gln154His; replaces glutamine 154 with histidine.
Molecular consequence: missense variant.
Genome position (GRCh38, 1-based): chr17:75,517,649, G>C. VCF-style: chr17-75517649-G-C. GRCh37 (hg19) VCF-style: chr17-73513730-G-C.
Other names: short protein forms Q154H.
Identifiers: ClinVar variation 1029381 (VCV001029381.3), dbSNP rs2053387849, ClinGen allele CA401027791.